The following is an entry in ClinVar:

ClinVar aggregate classification (germline): Uncertain significance (1 of 4 stars; one submission).

Allele frequency attached by ClinVar (database versions not stated): gnomAD exomes below 0.00001; TOPMed below 0.00001.
gnomAD v4.1: 1 of 1,614,144 alleles (0.000062%); highest among the groups gnomAD compares: Non-Finnish European, 0.000085%; no homozygotes.

Submission:

Ambry Genetics
Classification: Uncertain significance. Last evaluated: 2023-07-12. Review status: criteria provided, single submitter. Criteria: Ambry Variant Classification Scheme 2023. Collection method: clinical testing. Allele origin: germline.
Comment: The p.S1107C variant (also known as c.3320C>G), located in coding exon 4 of the ALPK2 gene, results from a C to G substitution at nucleotide position 3320. The serine at codon 1107 is replaced by cysteine, an amino acid with dissimilar properties. This amino acid position is conserved. In addition, this alteration is predicted to be tolerated by in silico analysis. Since supporting evidence is limited at this time, the clinical significance of this alteration remains unclear.

NM_052947.4(ALPK2):c.3320C>G (p.Ser1107Cys)

Gene: ALPK2 (alpha kinase 2; minus strand). Cytogenetic location: 18q21.31.
Variant type: single nucleotide variant.
Coding change: c.3320C>G on transcript NM_052947.4 (MANE Select); coding-DNA position 3320, C replaced by G.
Protein change: p.Ser1107Cys; replaces serine 1107 with cysteine.
Molecular consequence: missense variant.
Genome position (GRCh38, 1-based): chr18:58,536,867, G>C on the plus strand (C>G on the coding strand, the complement: ALPK2 is on the minus strand). VCF-style: chr18-58536867-G-C. GRCh37 (hg19) VCF-style: chr18-56204099-G-C.
Other names: short protein forms S1107C.
Identifiers: ClinVar variation 2625997 (VCV002625997.2), dbSNP rs889130829, ClinGen allele CA300927192.